The following is an entry in ClinVar:

ClinVar aggregate classification (germline): Likely pathogenic (1 of 4 stars; one submission).

Conditions:
Autosomal dominant nonsyndromic hearing loss 28. Identifiers: Orphanet 90635, MedGen C1837640, MONDO:0012083, OMIM 608641.

Submission:

Institute of Rare Diseases, West China Hospital, Sichuan University
Classification: Likely pathogenic for Autosomal dominant nonsyndromic hearing loss 28. Last evaluated: 2025-01-09. Review status: criteria provided, single submitter. Criteria: ClinGen HL ACMG Specifications v1. Collection method: research. Allele origin: germline. Affected: yes.
Comment: PVS1;PM2_Supporting

NM_024915.4(GRHL2):c.1698+1G>A

Gene: GRHL2 (grainyhead like transcription factor 2; plus strand). Cytogenetic location: 8q22.3.
Variant type: single nucleotide variant.
Coding change: c.1698+1G>A on transcript NM_024915.4 (MANE Select); the canonical splice donor site of the intron after coding-DNA position 1698, G replaced by A.
Molecular consequence: splice donor variant.
Genome position (GRCh38, 1-based): chr8:101,649,500, G>A. VCF-style: chr8-101649500-G-A. GRCh37 (hg19) VCF-style: chr8-102661728-G-A.
Other names: c.1650+1G>A (NM_001330593.2).
Identifiers: ClinVar variation 3601163 (VCV003601163.1).